The following is an entry in ClinVar:

NC_012920.1(MT-ND4):m.11777C>A

Gene: MT-ND4 (mitochondrially encoded NADH dehydrogenase 4; plus strand).
Variant type: single nucleotide variant.
Genome position: chrM-11777-C-A.
Other names: 11777C-A.
Identifiers: ClinVar variation 9711 (VCV000009711.8), dbSNP rs28384199, ClinGen allele CA120636.

ClinVar aggregate classification (germline): Likely pathogenic. Review status: reviewed by expert panel (3 of 4 stars). 5 submissions from 5 submitters: Likely pathogenic (1). 4 of the submissions do not count toward it. Last evaluated 2022-06-30.

Conditions:
Mitochondrial disease. Also called: Mitochondrial disorder; Mitochondrial disorders. Identifiers: Orphanet 68380, MedGen C0751651, MeSH D028361, MONDO:0044970.
Leber optic atrophy and dystonia. Also called: MARSDEN SYNDROME; LHON and dystonia; Dystonia familial, with visual failure and striatal lucencies; Leber's hereditary optic neuropathy with dystonia. Identifiers: Orphanet 99718, MedGen C1839040, MONDO:0010772, OMIM 500001.
Leber optic atrophy (LHON). Also called: Optic Atrophy, Hereditary, Leber; Leber hereditary optic neuropathy; Leber's disease; Leber's optic atrophy. Identifiers: Orphanet 104, MedGen C0917796, MONDO:0010788, OMIM 535000, HP:0001112.
Leigh syndrome (NULS). Also called: Leigh's necrotizing encephalopathy; Leigh's disease; Leigh's syndrome; LEIGH SYNDROME, NUCLEAR; Leigh Disease; Leigh Syndrome (mtDNA deletion). Identifiers: Orphanet 506, MedGen C2931891, MONDO:0009723, OMIM 256000.
Mitochondrial complex I deficiency. Also called: NADH:Q(1) OXIDOREDUCTASE DEFICIENCY. Identifiers: Orphanet 2609, MedGen C1838979, MeSH C537475, MONDO:0100133.

Submissions (5):

ClinGen Mitochondrial Disease Nuclear and Mitochondrial  Variant Curation Expert Panel, ClinGen
Classification: Likely pathogenic for Mitochondrial disease. Last evaluated: 2022-06-30. Review status: reviewed by expert panel. Criteria: clingen mito disease acmg specifications v1-1. Collection method: curation. Allele origin: germline. Inheritance: Mitochondrial inheritance.
Comment: The m.11777C>A (p.R340S) variant in MT-ND4 has been reported in at least eight unrelated individuals with primary mitochondrial disease and features including Leigh syndrome, stroke-like episodes, and cardiomyopathy (PS4_moderate; PMIDs: 12707444, 16120329, 15576045, 20502985, 24642831, 29428506). Ages of onset varied from the first few days of life to the 60s and heteroplasmy levels in affected individuals ranged from 50-93%. There is one report of the variant being absent in mother’s blood (PMID: 16120329) however no additional tissues were tested and technology performed at the time of publication would not detect low heteroplasmy levels of the variant. This variant segregated with disease in one family, as two healthy family members had lower to undetectable levels of the variant (PP1; PMID: 20502985). This variant is absent in the GenBank dataset, Helix dataset, and gnomAD v3.1.2 (PM2_supporting). Another variant at this amino acid position leading to a different amino acid change is a known pathogenic variant – m.11778G>A (p.R340H, PM5). Cybrid studies supported the functional impact of this variant (PS3_supporting; PMID: 16120329). The computational predictor APOGEE gives a consensus rating of pathogenic with a score of 0.83 (Min=0, Max=1), which predicts a damaging effect on gene function (PP3). In summary, this variant meets criteria to be classified as likely pathogenic for primary mitochondrial disease inherited in a mitochondrial manner. This classification was approved by the NICHD/NINDS U24 Mitochondrial Disease Variant Curation Expert Panel on May 24, 2022. Mitochondrial DNA-specific ACMG/AMP criteria applied (PMID: 32906214): PS4_moderate, PP1, PS3_supporting, PM2_supporting, PM5, PP3.

3billion
Classification: Likely pathogenic for Leber optic atrophy and dystonia. Last evaluated: 2023-11-10. Review status: criteria provided, single submitter. Criteria: ACMG Guidelines, 2015. Collection method: clinical testing. Allele origin: germline. Affected: yes. Not counted in ClinVar's aggregate classification.
Comment: The variant is not observed in the gnomAD v3.1.2 dataset. Predicted Consequence/Location: Missense variant In silico tool predictions suggest damaging effect of the variant on the gene or the gene product [APOGEE: 0.83 (>0.75 Likely pathogenic)] Same nucleotide change resulting in same amino acid change has been previously reported as pathogenic/likely pathogenic with strong evidence (ClinVar ID: VCV000009711). Therefore, this variant is classified as Likely pathogenic according to the recommendation of ACMG/AMP guideline.

Wong Mito Lab, Molecular and Human Genetics, Baylor College of Medicine
Classification: Pathogenic for Leber optic atrophy. Last evaluated: 2019-10-17. Review status: criteria provided, single submitter. Criteria: Modified ACMG Guidelines (Unpublished). Collection method: clinical testing. Allele origin: germline. Not counted in ClinVar's aggregate classification.
Comment: The NC_012920.1:m.11777C>A (YP_003024035.1:p.Arg340Ser) variant in MTND4 gene is interpretated to be a Pathogenic variant based on the modified ACMG guidelines (unpublished). This variant meets the following evidence codes: PS3, PM8, PM9, PP3, PP4, PP6

OMIM
Classification: Pathogenic for MITOCHONDRIAL COMPLEX I DEFICIENCY. Last evaluated: 1996-04-01. Review status: no assertion criteria provided. Collection method: literature only. Allele origin: germline. Not counted in ClinVar's aggregate classification.

GeneReviews
No classification provided. Condition: Leigh syndrome. Review status: no classification provided. Collection method: literature only. Allele origin: germline. Not counted in ClinVar's aggregate classification.

Literature cited by the submitters: PubMed 16120329 (cited by Wong Mito Lab, Molecular and Human Genetics, Baylor College of Medicine); PubMed 12707444 (cited by Wong Mito Lab, Molecular and Human Genetics, Baylor College of Medicine); PubMed 8644732 (cited by OMIM); NCBI Bookshelf NBK1173 (cited by GeneReviews).